The following is an entry in ClinVar:

NM_199420.4(POLQ):c.2761C>T (p.His921Tyr)

Gene: POLQ (DNA polymerase theta; minus strand). Cytogenetic location: 3q13.33.
Variant type: single nucleotide variant.
Coding change: c.2761C>T on transcript NM_199420.4 (MANE Select); coding-DNA position 2761, C replaced by T.
Protein change: p.His921Tyr; replaces histidine 921 with tyrosine.
Molecular consequence: missense variant.
Genome position (GRCh38, 1-based): chr3:121,490,170, G>A on the plus strand (C>T on the coding strand, the complement: POLQ is on the minus strand). VCF-style: chr3-121490170-G-A. GRCh37 (hg19) VCF-style: chr3-121209017-G-A.
Other names: short protein forms H921Y.
Identifiers: ClinVar variation 1795697 (VCV001795697.2), dbSNP rs2546788208, ClinGen allele CA354104766.

ClinVar aggregate classification (germline): Uncertain significance (1 of 4 stars; one submission).

Allele frequency attached by ClinVar (database versions not stated): gnomAD exomes below 0.00001.
gnomAD v4.1: 1 of 1,612,106 alleles (0.000062%); highest among the groups gnomAD compares: African/African-American, 0.0013%; no homozygotes.

Submission:

Ambry Genetics
Classification: Uncertain significance. Last evaluated: 2022-05-25. Review status: criteria provided, single submitter. Criteria: Ambry Variant Classification Scheme 2023. Collection method: clinical testing. Allele origin: germline.
Comment: The p.H921Y variant (also known as c.2761C>T), located in coding exon 16 of the POLQ gene, results from a C to T substitution at nucleotide position 2761. The histidine at codon 921 is replaced by tyrosine, an amino acid with similar properties. This amino acid position is conserved. In addition, this alteration is predicted to be tolerated by in silico analysis. Since supporting evidence is limited at this time, the clinical significance of this alteration remains unclear.